The following is an entry in ClinVar:

NM_006231.4(POLE):c.64G>A (p.Asp22Asn)

Gene: POLE (DNA polymerase epsilon, catalytic subunit; minus strand). Cytogenetic location: 12q24.33.
Variant type: single nucleotide variant.
Coding change: c.64G>A on transcript NM_006231.4 (MANE Select); coding-DNA position 64, G replaced by A.
Protein change: p.Asp22Asn; replaces aspartic acid 22 with asparagine.
Molecular consequence: missense variant.
Genome position (GRCh38, 1-based): chr12:132,681,278, C>T on the plus strand (G>A on the coding strand, the complement: POLE is on the minus strand). VCF-style: chr12-132681278-C-T. GRCh37 (hg19) VCF-style: chr12-133257864-C-T.
Other names: c.64G>A (NM_006231.2); short protein forms D22N.
Identifiers: ClinVar variation 3780471 (VCV003780471.1).
Genomic context (GRCh38, chr12:132,681,278, plus strand): 5'-CCGTCCACTGACTCCGTTCCAGGCGCTTGAGTGCCGAAACTGAGGAAGTGGCGCCATCAT[C>T]CCTGAGTGAAAGAAGGGAACCCCGTGCTTAATTTGTAATGCCACCTGCTGCTGCTTCTTT-3'
Protein context (NP_006222.2, residues 12-32): DPGADGEASR[Asp22Asn]DGATSSVSAL

ClinVar aggregate classification (germline): Uncertain significance. Review status: criteria provided, multiple submitters, no conflicts (2 of 4 stars). 2 submissions from 2 submitters: Uncertain significance (2). Last evaluated 2025-03-05.

Conditions:
Hereditary cancer-predisposing syndrome. Also called: Neoplastic Syndromes, Hereditary; Hereditary Cancer Syndrome; Tumor predisposition; Hereditary neoplastic syndrome. Identifiers: Orphanet 140162, MedGen C0027672, MeSH D009386, MONDO:0015356.
Polymerase proofreading-related adenomatous polyposis. Also called: Polymerase proofreading associated polyposis; Polymerase proofreading–associated polyposis (PPAP). Identifiers: Orphanet 447877, MedGen C5202613, MONDO:0018653.

Submissions (2):

Ambry Genetics
Classification: Uncertain significance for Hereditary cancer-predisposing syndrome. Last evaluated: 2025-03-05. Review status: criteria provided, single submitter. Criteria: Ambry Variant Classification Scheme 2023. Collection method: clinical testing. Allele origin: germline.
Comment: The p.D22N variant (also known as c.64G>A), located in coding exon 2 of the POLE gene, results from a G to A substitution at nucleotide position 64. The aspartic acid at codon 22 is replaced by asparagine, an amino acid with highly similar properties. This amino acid position is conserved. In addition, this alteration is predicted to be tolerated by in silico analysis. Based on the available evidence, the clinical significance of this variant remains unclear.

Department of Pathology and Laboratory Medicine, Sinai Health System
Classification: Uncertain significance for Polymerase proofreading-related adenomatous polyposis. Last evaluated: 2020-01-24. Review status: criteria provided, single submitter. Criteria: ACMG Guidelines, 2015. Collection method: clinical testing. Allele origin: germline. Affected: yes.